The following is an entry in ClinVar:

ClinVar aggregate classification (germline): Benign (1 of 4 stars; one submission).

Conditions:
Glycogen storage disease, type II (IOPD). Also called: Pompe Disease; CARDIOMEGALIA GLYCOGENICA DIFFUSA; GLYCOGENOSIS, GENERALIZED, CARDIAC FORM; GSD II; POMPE DISEASE, INFANTILE-ONSET; GLYCOGEN STORAGE DISEASE II, INFANTILE-ONSET. Identifiers: Orphanet 365, MedGen C0017921, MONDO:0009290, OMIM 232300.

gnomAD v4.1: 2,983 of 152,208 alleles (2%); highest among the groups gnomAD compares: African/African-American, 6.8%; 100 homozygotes.

Submission:

Genomenon, Inc
Classification: Benign for Glycogen storage disease, type II. Last evaluated: 2026-07-01. Review status: criteria provided, single submitter. Criteria: Genomenon Sequence Variant Interpretation Standards - Updated. Collection method: curation. Allele origin: germline. Affected: no.
Comment: GAA c.-32-494C>G is an intronic variant located in the 5′ untranslated region (5′ UTR). This variant is present at high allele frequency in population databases. We classify GAA c.-32-494C>G as a benign variant.

NM_000152.5(GAA):c.-32-494C>G

Gene: GAA (alpha glucosidase; plus strand). Cytogenetic location: 17q25.3.
Variant type: single nucleotide variant.
Coding change: c.-32-494C>G on transcript NM_000152.5 (MANE Select); 494 bases into the intron before 32 bases upstream of the start codon, C replaced by G.
Molecular consequence: intron variant.
Genome position (GRCh38, 1-based): chr17:80,104,061, C>G. VCF-style: chr17-80104061-C-G. GRCh37 (hg19) VCF-style: chr17-78077860-C-G.
Other names: c.-32-494C>G (NM_001406741.1, NM_001406742.1, NM_001079803.3 and 1 more transcripts).
Identifiers: ClinVar variation 4876392 (VCV004876392.1).
Genomic context (GRCh38, chr17:80,104,061, plus strand): 5'-CTCCTGAAATCCCAGCACTTCGGAAGGCCAAGGGGGGTGGATCACTTGAGCTCAGGAGTT[C>G]GAGACCAGCCTGGGTAACATGGCAAAATCCCGTCTCTACAAAAATACAGAAAATTAGCTG-3'